The following is an entry in ClinVar:

ClinVar aggregate classification (germline): Likely pathogenic. Review status: criteria provided, multiple submitters, no conflicts (2 of 4 stars). 2 submissions from 2 submitters: Likely pathogenic (2). Last evaluated 2026-07-09.

Conditions:
X-linked Alport syndrome (ATS1). Also called: NEPHROPATHY AND DEAFNESS, X-LINKED; COL4A5-Related Nephropathy. Identifiers: Orphanet 63, Orphanet 88917, MedGen C4746986, MONDO:0010520, OMIM 301050.

Submissions (2):

Centre de Génétique Humaine, Institut de Pathologie Et de Génétique
Classification: Likely pathogenic for X-linked Alport syndrome. Last evaluated: 2026-07-09. Review status: criteria provided, single submitter. Criteria: ACMG Guidelines, 2015. Collection method: clinical testing. Allele origin: maternal, germline. Inheritance: X-linked dominant inheritance. Affected: yes. Observed: 2 variant alleles, 1 heterozygote, 1 hemizygote. Segregation with disease observed.
Comment: This missense variant involves a highly conserved glycine located in a ‘Gly-X-Y’ motif in collagenous region, (PM1,PP2). This variant is rare: absent in gnomAD v4.1.0 database (PM2). Another missense variant affecting the same residue described as pathogenic: c.3790G>A, p.(Gly1264Ser), PMID: 25183659; PMID: 35005319 (PM5). In silico analysis supports that this missense variant has a deleterious effect (PP3). Described in scientific literature and ClinVar as LP (PP5).

Precision Medicine Center, Zhengzhou University
Classification: Likely pathogenic for X-linked Alport syndrome. Review status: criteria provided, single submitter. Criteria: ACMG Guidelines, 2015. Collection method: research. Allele origin: germline. Affected: yes.
Comment: PM1:Located in a mutational hot spot PM2:not found in gnomAD PP2:Missense variant in a gene that has a low rate of benign missense variation and in which missense variants are a common mechanism of disease PP3:Multiple lines of computational evidence support a deleterious effect on the gene or gene product

Literature cited by the submitters: DOI 10.1093/ndt/gfaf116.1053 (cited by Centre de Génétique Humaine, Institut de Pathologie Et de Génétique).

NM_033380.3(COL4A5):c.3791G>T (p.Gly1264Val)

Gene: COL4A5 (collagen type IV alpha 5 chain; plus strand). Cytogenetic location: Xq22.3.
Variant type: single nucleotide variant.
Coding change: c.3791G>T on transcript NM_033380.3 (MANE Select); coding-DNA position 3791, G replaced by T.
Protein change: p.Gly1264Val; replaces glycine 1264 with valine.
Molecular consequence: missense variant. On other transcripts: intron variant (1).
Genome position (GRCh38, 1-based): chrX:108,670,228, G>T. VCF-style: chrX-108670228-G-T. GRCh37 (hg19) VCF-style: chrX-107913458-G-T.
Other names: p.(Gly1264Val); c.3790+1724G>T (NM_000495.5); short protein forms G1264V.
Identifiers: ClinVar variation 1077052 (VCV001077052.2), dbSNP rs2147963152, ClinGen allele CA413849255.
Genomic context (GRCh38, chrX:108,670,228, plus strand): 5'-ATATTTTTCCTTTTTGTTAATGATGACATTGGGCCTTGGTGAACTTTGATCCCTATCCAG[G>T]TCCTACAGGTTAGCTCCTTAACTCCAAAGTAGTAACTGCATGAAGTTTGAAACTTATATA-3'
Protein context (NP_203699.1, residues 1254-1274): PGPQGPPGRP[Gly1264Val]PTGFQGLPGP